The following is an entry in ClinVar:

NM_001378615.1(CC2D2A):c.3554G>A (p.Cys1185Tyr)

Genes: CC2D2A (coiled-coil and C2 domain containing 2A; plus strand), FBXL5 (F-box and leucine rich repeat protein 5; minus strand). Cytogenetic location: 4p15.32.
Variant type: single nucleotide variant.
Coding change: c.3554G>A on transcript NM_001378615.1 (MANE Select); coding-DNA position 3554, G replaced by A.
Protein change: p.Cys1185Tyr; replaces cysteine 1185 with tyrosine.
Molecular consequence: missense variant.
Genome position (GRCh38, 1-based): chr4:15,570,456, G>A. VCF-style: chr4-15570456-G-A. GRCh37 (hg19) VCF-style: chr4-15572079-G-A.
Other names: c.3554G>A, p.Cys1185Tyr (NM_001080522.2); c.3407G>A, p.Cys1136Tyr (NM_001378617.1); short protein forms C1136Y, C1185Y.
Identifiers: ClinVar variation 1362497 (VCV001362497.7), dbSNP rs1720105141, ClinGen allele CA356422033.

ClinVar aggregate classification (germline): Uncertain significance. Review status: criteria provided, multiple submitters, no conflicts (2 of 4 stars). 2 submissions from 2 submitters: Uncertain significance (2). Last evaluated 2025-06-24.

Conditions:
Inborn genetic diseases. Identifiers: MedGen C0950123, MeSH D030342.
Joubert syndrome. Also called: JOUBERT-BOLTSHAUSER SYNDROME; Familial aplasia of the vermis. Identifiers: Orphanet 475, MedGen C5979921, MONDO:0018772.
Meckel-Gruber syndrome. Also called: DYSENCEPHALIA SPLANCHNOCYSTICA; GRUBER SYNDROME; Dysencephalia splachnocystica. Identifiers: Orphanet 564, MedGen C0265215, MONDO:0018921.

Allele frequency attached by ClinVar (database versions not stated): TOPMed below 0.00001.

Submissions (2):

Ambry Genetics
Classification: Uncertain significance for Inborn genetic diseases. Last evaluated: 2025-06-24. Review status: criteria provided, single submitter. Criteria: Ambry Variant Classification Scheme 2023. Collection method: clinical testing. Allele origin: germline.

Labcorp Genetics (formerly Invitae), Labcorp
Classification: Uncertain significance for Joubert syndrome; Meckel-Gruber syndrome. Last evaluated: 2023-11-27. Review status: criteria provided, single submitter. Criteria: Invitae Variant Classification Sherloc (09022015). Collection method: clinical testing. Allele origin: germline.
Comment: This sequence change replaces cysteine, which is neutral and slightly polar, with tyrosine, which is neutral and polar, at codon 1185 of the CC2D2A protein (p.Cys1185Tyr). This variant is not present in population databases (gnomAD no frequency). This variant has not been reported in the literature in individuals affected with CC2D2A-related conditions. ClinVar contains an entry for this variant (Variation ID: 1362497). Advanced modeling of protein sequence and biophysical properties (such as structural, functional, and spatial information, amino acid conservation, physicochemical variation, residue mobility, and thermodynamic stability) has been performed at Invitae for this missense variant, however the output from this modeling did not meet the statistical confidence thresholds required to predict the impact of this variant on CC2D2A protein function. In summary, the available evidence is currently insufficient to determine the role of this variant in disease. Therefore, it has been classified as a Variant of Uncertain Significance.